The following is an entry in ClinVar:

ClinVar aggregate classification (germline): Uncertain significance. Review status: criteria provided, multiple submitters, no conflicts (2 of 4 stars). 2 submissions from 2 submitters: Uncertain significance (2). Last evaluated 2025-05-23.

Conditions:
PCNT-related disorder. Also called: PCNT-related condition.
Inborn genetic diseases. Identifiers: MedGen C0950123, MeSH D030342.

gnomAD v4.1: 5 of 1,613,328 alleles (0.00031%); highest among the groups gnomAD compares: East Asian, 0.0022%; no homozygotes.

Submissions (2):

PreventionGenetics, part of Exact Sciences
Classification: Uncertain significance for PCNT-related condition. Last evaluated: 2025-05-23. Review status: criteria provided, single submitter. Criteria: ACMG Guidelines, 2015. Collection method: clinical testing. Allele origin: germline.
Comment: The PCNT c.7487G>A variant is predicted to result in the amino acid substitution p.Arg2496His. To our knowledge, this variant has not been reported in the literature. This variant is reported in 0.0054% of alleles in individuals of East Asian descent in gnomAD. At this time, the clinical significance of this variant is uncertain due to the absence of conclusive functional and genetic evidence.

Ambry Genetics
Classification: Uncertain significance for Inborn genetic diseases. Last evaluated: 2024-12-12. Review status: criteria provided, single submitter. Criteria: Ambry Variant Classification Scheme 2023. Collection method: clinical testing. Allele origin: germline.

NM_006031.6(PCNT):c.7487G>A (p.Arg2496His)

Gene: PCNT (pericentrin; plus strand). Cytogenetic location: 21q22.3.
Variant type: single nucleotide variant.
Coding change: c.7487G>A on transcript NM_006031.6 (MANE Select); coding-DNA position 7487, G replaced by A.
Protein change: p.Arg2496His; replaces arginine 2496 with histidine.
Molecular consequence: missense variant.
Genome position (GRCh38, 1-based): chr21:46,427,788, G>A. VCF-style: chr21-46427788-G-A. GRCh37 (hg19) VCF-style: chr21-47847702-G-A.
Other names: c.7133G>A, p.Arg2378His (NM_001315529.2); short protein forms R2496H, R2378H.
Identifiers: ClinVar variation 3886970 (VCV003886970.2).